The following is an entry in ClinVar:

ClinVar aggregate classification (germline): Pathogenic (1 of 4 stars; one submission).

Conditions:
Juvenile polyposis syndrome (JPS). Identifiers: Orphanet 2929, MedGen C0345893, MONDO:0017380, OMIM 174900.

Submission:

Labcorp Genetics (formerly Invitae), Labcorp
Classification: Pathogenic for Juvenile polyposis syndrome. Last evaluated: 2023-09-05. Review status: criteria provided, single submitter. Criteria: Invitae Variant Classification Sherloc (09022015). Collection method: clinical testing. Allele origin: germline.
Comment: This sequence change creates a premature translational stop signal (p.Ala166Valfs*2) in the BMPR1A gene. It is expected to result in an absent or disrupted protein product. Loss-of-function variants in BMPR1A are known to be pathogenic (PMID: 11536076, 12417513). This variant is not present in population databases (gnomAD no frequency). This variant has not been reported in the literature in individuals affected with BMPR1A-related conditions. ClinVar contains an entry for this variant (Variation ID: 1459799). For these reasons, this variant has been classified as Pathogenic.

Literature cited by the submitters: PubMed 11536076; PubMed 12417513.

NM_004329.3(BMPR1A):c.497del (p.Ala166fs)

Gene: BMPR1A (bone morphogenetic protein receptor type 1A; plus strand). Cytogenetic location: 10q23.2.
Variant type: Deletion.
Coding change: c.497del on transcript NM_004329.3 (MANE Select); coding-DNA position 497, one base deleted (C; older notation c.497delC).
Protein change: p.Ala166fs; shifts the reading frame from alanine 166.
Molecular consequence: frameshift variant.
Genome position (GRCh38, 1-based): chr10:86,900,093, C deleted. VCF-style (leftmost placement, unchanged base first): chr10-86900092-GC-G. GRCh37 (hg19) VCF-style: chr10-88659849-GC-G.
Other names: short protein forms A166fs.
Identifiers: ClinVar variation 1459799 (VCV001459799.6), dbSNP rs2133457292, ClinGen allele CA2573145706.